The following is an entry in ClinVar:

ClinVar aggregate classification (germline): Likely benign. Review status: criteria provided, single submitter (1 of 4 stars). 2 submissions from 2 submitters: Likely benign (1). 1 of the submissions does not count toward it. Last evaluated 2025-09-01.

Conditions:
HSPG2-related disorder. Also called: HSPG2-related disorders; HSPG2-related condition.

gnomAD v4.1: 14 of 1,558,220 alleles (0.0009%); highest among the groups gnomAD compares: Admixed American, 0.026%; no homozygotes.

Submissions (2):

Labcorp Genetics (formerly Invitae), Labcorp
Classification: Likely benign. Last evaluated: 2025-09-01. Review status: criteria provided, single submitter. Criteria: Invitae Variant Classification Sherloc (09022015). Collection method: clinical testing. Allele origin: germline.

PreventionGenetics, part of Exact Sciences
Classification: Likely benign for HSPG2-related condition. Last evaluated: 2019-08-20. Review status: no assertion criteria provided. Collection method: clinical testing. Allele origin: germline. Not counted in ClinVar's aggregate classification.
Comment: This variant is classified as likely benign based on ACMG/AMP sequence variant interpretation guidelines (Richards et al. 2015 PMID: 25741868, with internal and published modifications).

NM_005529.7(HSPG2):c.10721-8C>A

Gene: HSPG2 (heparan sulfate proteoglycan 2; minus strand). Cytogenetic location: 1p36.12.
Variant type: single nucleotide variant.
Coding change: c.10721-8C>A on transcript NM_005529.7 (MANE Select); 8 bases into the intron before coding-DNA position 10721, C replaced by A.
Molecular consequence: intron variant.
Genome position (GRCh38, 1-based): chr1:21,833,933, G>T on the plus strand (C>A on the coding strand, the complement: HSPG2 is on the minus strand). VCF-style: chr1-21833933-G-T. GRCh37 (hg19) VCF-style: chr1-22160426-G-T.
Other names: c.10724-8C>A (NM_001291860.2); c.10721-8C>A (NM_005529.6).
Identifiers: ClinVar variation 1392303 (VCV001392303.10), dbSNP rs371225050, ClinGen allele CA521589121.
Genomic context (GRCh38, chr1:21,833,933, plus strand): 5'-TGCAGAACCAGCAGGCACACGGACTTCTTGGGGCATTGAGATCTGGGGCAAGGCTGAGAG[G>T]CATGGAAGAGACATAGGCCATCAACATGACAGTCACAGATATGTGCCCAGCCTGCACCCT-3'